The following is an entry in ClinVar:

NM_002474.3(MYH11):c.5302C>G (p.Gln1768Glu)

Genes: MYH11 (myosin heavy chain 11; minus strand), NDE1 (nudE neurodevelopment protein 1; plus strand). Cytogenetic location: 16p13.11.
Variant type: single nucleotide variant.
Coding change: c.5302C>G on transcript NM_002474.3 (MANE Select); coding-DNA position 5302, C replaced by G.
Protein change: p.Gln1768Glu; replaces glutamine 1768 with glutamic acid.
Molecular consequence: missense variant. On other transcripts: intron variant (2).
Genome position (GRCh38, 1-based): chr16:15,717,342, G>C on the plus strand (C>G on the coding strand, the complement: MYH11 is on the minus strand). VCF-style: chr16-15717342-G-C. GRCh37 (hg19) VCF-style: chr16-15811199-G-C.
Other names: c.5323C>G, p.Gln1775Glu (NM_001040113.2, NM_001040114.2); c.5302C>G, p.Gln1768Glu (NM_022844.3); c.948-6849G>C (NM_001143979.2, NM_017668.3); short protein forms Q1768E, Q1775E.
Identifiers: ClinVar variation 633327 (VCV000633327.15), dbSNP rs901502893, ClinGen allele CA16622081.
Genomic context (GRCh38, chr16:15,717,342, plus strand): 5'-GCCGGGCACTCTCATTCTTCTGGGCCGTGCTGCGCTCTGTGGCCAGCTCGTTGCTGAGCT[G>C]CTCGGCCTGGGGAGGAGAGTGAAGGCCATGAGGCGGACTCAGGGAAGCCCAAGAGAGCGC-3'
Protein context (NP_002465.1, residues 1758-1778): RVRKATQQAE[Gln1768Glu]LSNELATERS

ClinVar aggregate classification (germline): Uncertain significance. Review status: criteria provided, multiple submitters, no conflicts (2 of 4 stars). 7 submissions from 7 submitters: Uncertain significance (7). Last evaluated 2026-05-06.

Conditions:
MYH11-related disorder. Also called: MYH11-related condition.
Familial thoracic aortic aneurysm and aortic dissection (TAAD). Also called: Thoracic aortic aneurysms and dissections. Identifiers: Orphanet 91387, MedGen C4707243, MONDO:0019625.
Aortic aneurysm, familial thoracic 4 (AAT4). Also called: AORTIC ANEURYSM/AORTIC DISSECTION AND PATENT DUCTUS ARTERIOSUS. Identifiers: MedGen C1851504, MONDO:0007568, OMIM 132900.

Allele frequency attached by ClinVar (database versions not stated): TOPMed 0.00002; gnomAD exomes 0.00001; gnomAD 0.00001.
gnomAD v4.1: 5 of 1,606,676 alleles (0.00031%); highest among the groups gnomAD compares: Non-Finnish European, 0.00042%; no homozygotes.

Submissions (7):

Ambry Genetics
Classification: Uncertain significance for Familial thoracic aortic aneurysm and aortic dissection. Last evaluated: 2026-05-06. Review status: criteria provided, single submitter. Criteria: Ambry Variant Classification Scheme 2023. Collection method: clinical testing. Allele origin: germline.
Comment: The p.Q1768E variant (also known as c.5302C>G), located in coding exon 37 of the MYH11 gene, results from a C to G substitution at nucleotide position 5302. The glutamine at codon 1768 is replaced by glutamic acid, an amino acid with highly similar properties. This amino acid position is highly conserved in available vertebrate species. In addition, the in silico prediction for this alteration is inconclusive. Based on the available evidence, the clinical significance of this variant remains unclear.

Labcorp Genetics (formerly Invitae), Labcorp
Classification: Uncertain significance for Aortic aneurysm, familial thoracic 4. Last evaluated: 2026-01-09. Review status: criteria provided, single submitter. Criteria: Invitae Variant Classification Sherloc (09022015). Collection method: clinical testing. Allele origin: germline.
Comment: This sequence change replaces glutamine, which is neutral and polar, with glutamic acid, which is acidic and polar, at codon 1775 of the MYH11 protein (p.Gln1775Glu). This variant is present in population databases (no rsID available, gnomAD 0.007%). This variant has not been reported in the literature in individuals affected with MYH11-related conditions. ClinVar contains an entry for this variant (Variation ID: 633327). Invitae Evidence Modeling of protein sequence and biophysical properties (such as structural, functional, and spatial information, amino acid conservation, physicochemical variation, residue mobility, and thermodynamic stability) indicates that this missense variant is not expected to disrupt MYH11 protein function with a negative predictive value of 95%. In summary, the available evidence is currently insufficient to determine the role of this variant in disease. Therefore, it has been classified as a Variant of Uncertain Significance.

GeneDx
Classification: Uncertain significance. Last evaluated: 2025-06-11. Review status: criteria provided, single submitter. Criteria: GeneDx Variant Classification Process June 2021. Collection method: clinical testing. Allele origin: germline. Affected: yes.
Comment: Not observed at significant frequency in large population cohorts (gnomAD); In silico analysis suggests that this missense variant does not alter protein structure/function; Has not been previously published as pathogenic or benign to our knowledge

All of Us Research Program, National Institutes of Health
Classification: Uncertain significance for Familial thoracic aortic aneurysm and aortic dissection. Last evaluated: 2024-04-16. Review status: criteria provided, single submitter. Criteria: ACMG Guidelines, 2015. Collection method: clinical testing. Allele origin: germline. Inheritance: Autosomal dominant inheritance. Observed: 8 variant alleles, 8 heterozygotes.
Comment: This missense variant replaces glutamine with glutamic acid at codon 1775 of the MYH11 protein. Computational prediction is inconclusive regarding the impact of this variant on protein structure and function (internally defined REVEL score threshold 0.5 < inconclusive < 0.7, PMID: 27666373). Splice site prediction tools suggest that this variant may not impact RNA splicing. To our knowledge, functional studies have not been performed for this variant. This variant has not been reported in individuals affected with cardiovascular disorders in the literature. This variant has been identified in 1/31394 chromosomes in the general population by the Genome Aggregation Database (gnomAD). The available evidence is insufficient to determine the role of this variant in disease conclusively. Therefore, this variant is classified as a Variant of Uncertain Significance.

This study involves interpretation of variants in research participants for the purpose of population health screening. Participant phenotype was not available at the time of variant classification. Additional details can be found in publication PMID: 35346344, PMCID: PMC8962531

Color Diagnostics, LLC DBA Color Health
Classification: Uncertain significance for Familial thoracic aortic aneurysm and aortic dissection. Last evaluated: 2024-03-06. Review status: criteria provided, single submitter. Criteria: ACMG Guidelines, 2015. Collection method: clinical testing. Allele origin: germline.
Comment: This missense variant replaces glutamine with glutamic acid at codon 1775 of the MYH11 protein. Computational prediction is inconclusive regarding the impact of this variant on protein structure and function (internally defined REVEL score threshold 0.5 < inconclusive < 0.7, PMID: 27666373). To our knowledge, functional studies have not been reported for this variant. This variant has not been reported in individuals affected with MYH11-related disorders in the literature. This variant has been identified in 1/31394 chromosomes in the general population by the Genome Aggregation Database (gnomAD). The available evidence is insufficient to determine the role of this variant in disease conclusively. Therefore, this variant is classified as a Variant of Uncertain Significance.

PreventionGenetics, part of Exact Sciences
Classification: Uncertain significance for MYH11-related condition. Last evaluated: 2023-02-08. Review status: criteria provided, single submitter. Criteria: ACMG Guidelines, 2015. Collection method: clinical testing. Allele origin: germline.
Comment: The MYH11 c.5323C>G variant is predicted to result in the amino acid substitution p.Gln1775Glu. To our knowledge, this variant has not been reported in the literature. This variant is reported in 0.0065% of alleles in individuals of European (Non-Finnish) descent in gnomAD. At this time, the clinical significance of this variant is uncertain due to the absence of conclusive functional and genetic evidence.

Women's Health and Genetics/Laboratory Corporation of America, LabCorp
Classification: Uncertain significance. Last evaluated: 2018-11-19. Review status: criteria provided, single submitter. Criteria: LabCorp Variant Classification Summary - May 2015. Collection method: clinical testing. Allele origin: germline.
Comment: Variant summary: MYH11 c.5323C>G (p.Gln1775Glu) results in a conservative amino acid change located in the Myosin tail domain (IPR002928) of the encoded protein sequence. Three of five in-silico tools predict a damaging effect of the variant on protein function. The variant allele was found at a frequency of 3.2e-05 in 30964 control chromosomes (gnomAD, Genomes dataset). The available data on variant occurrences in the general population are insufficient to allow any conclusion about variant significance. To our knowledge, no occurrence of c.5323C>G in individuals affected with Aortopathy and no experimental evidence demonstrating its impact on protein function have been reported. No clinical diagnostic laboratories have submitted clinical-significance assessments for this variant to ClinVar after 2014. Based on the evidence outlined above, the variant was classified as uncertain significance.